The following is an entry in ClinVar:

NM_000535.7(PMS2):c.115G>A (p.Val39Ile)

Gene: PMS2 (PMS1 homolog 2, mismatch repair system component; minus strand). Cytogenetic location: 7p22.1.
Variant type: single nucleotide variant.
Coding change: c.115G>A on transcript NM_000535.7 (MANE Select); coding-DNA position 115, G replaced by A.
Protein change: p.Val39Ile; replaces valine 39 with isoleucine.
Molecular consequence: missense variant. On other transcripts: 5 prime UTR variant (38), non-coding transcript variant (1), intron variant (7).
Genome position (GRCh38, 1-based): chr7:6,005,940, C>T on the plus strand (G>A on the coding strand, the complement: PMS2 is on the minus strand). VCF-style: chr7-6005940-C-T. GRCh37 (hg19) VCF-style: chr7-6045571-C-T.
Other names: c.-291G>A (NM_001322003.2, NM_001322005.2, NM_001322009.2 and 10 more transcripts); c.115G>A, p.Val39Ile (NM_001322006.2, NM_001322014.2, NM_001406868.1 and 10 more transcripts); c.-101G>A (NM_001322007.2, NM_001406876.1, NM_001406883.1 and 4 more transcripts); c.-770G>A (NM_001322011.2, NM_001322012.2); c.-370G>A (NM_001322015.2, NM_001406875.1, NM_001406877.1 and 2 more transcripts); c.301G>A, p.Val101Ile (NM_001406866.1); c.-317G>A (NM_001406880.1); c.-238G>A (NM_001406888.1, NM_001406889.1, NM_001406892.1 and 5 more transcripts); and 7 more; short protein forms V101I, V39I.
Identifiers: ClinVar variation 4862105 (VCV004862105.1).

ClinVar aggregate classification (germline): Uncertain significance (1 of 4 stars; one submission).

Conditions:
Hereditary cancer-predisposing syndrome. Also called: Neoplastic Syndromes, Hereditary; Tumor predisposition; Hereditary Cancer Syndrome; Hereditary neoplastic syndrome. Identifiers: Orphanet 140162, MedGen C0027672, MeSH D009386, MONDO:0015356.

Submission:

Ambry Genetics
Classification: Uncertain significance for Hereditary cancer-predisposing syndrome. Last evaluated: 2026-04-12. Review status: criteria provided, single submitter. Criteria: Ambry Variant Classification Scheme 2023. Collection method: clinical testing. Allele origin: germline.
Comment: The p.V39I variant (also known as c.115G>A), located in coding exon 2 of the PMS2 gene, results from a G to A substitution at nucleotide position 115. The valine at codon 39 is replaced by isoleucine, an amino acid with highly similar properties. This amino acid position is conserved. In addition, the in silico prediction for this alteration is inconclusive. Based on the available evidence, the clinical significance of this variant remains unclear.